The following is an entry in ClinVar:

ClinVar aggregate classification (germline): Uncertain significance (1 of 4 stars; one submission).

Conditions:
Cohen syndrome (COH1). Also called: PEPPER SYNDROME; Cutis verticis gyrata, retinitis pigmentosa, and sensorineural deafness. Identifiers: Orphanet 193, MedGen C0265223, MONDO:0008999, OMIM 216550.

Allele frequency attached by ClinVar (database versions not stated): TOPMed below 0.00001.
gnomAD v4.1: 1 of 1,613,270 alleles (0.000062%); highest among the groups gnomAD compares: Non-Finnish European, 0.000085%; no homozygotes.

Submission:

Labcorp Genetics (formerly Invitae), Labcorp
Classification: Uncertain significance for Cohen syndrome. Last evaluated: 2024-02-24. Review status: criteria provided, single submitter. Criteria: Invitae Variant Classification Sherloc (09022015). Collection method: clinical testing. Allele origin: germline.
Comment: This sequence change replaces alanine, which is neutral and non-polar, with threonine, which is neutral and polar, at codon 1063 of the VPS13B protein (p.Ala1063Thr). This variant is not present in population databases (gnomAD no frequency). This variant has not been reported in the literature in individuals affected with VPS13B-related conditions. ClinVar contains an entry for this variant (Variation ID: 2176324). Advanced modeling of protein sequence and biophysical properties (such as structural, functional, and spatial information, amino acid conservation, physicochemical variation, residue mobility, and thermodynamic stability) has been performed at Invitae for this missense variant, however the output from this modeling did not meet the statistical confidence thresholds required to predict the impact of this variant on VPS13B protein function. In summary, the available evidence is currently insufficient to determine the role of this variant in disease. Therefore, it has been classified as a Variant of Uncertain Significance.

NM_152564.5(VPS13B):c.3187G>A (p.Ala1063Thr)

Gene: VPS13B (vacuolar protein sorting 13 homolog B; plus strand). Cytogenetic location: 8q22.2.
Variant type: single nucleotide variant.
Coding change: c.3187G>A on transcript NM_152564.5 (MANE Select); coding-DNA position 3187, G replaced by A.
Protein change: p.Ala1063Thr; replaces alanine 1063 with threonine.
Molecular consequence: missense variant.
Genome position (GRCh38, 1-based): chr8:99,431,641, G>A. VCF-style: chr8-99431641-G-A. GRCh37 (hg19) VCF-style: chr8-100443869-G-A.
Other names: c.3187G>A, p.Ala1063Thr (NM_017890.5); short protein forms A1063T.
Identifiers: ClinVar variation 2176324 (VCV002176324.2), dbSNP rs1166850181, ClinGen allele CA371868381.